The following is an entry in ClinVar:

NM_032043.3(BRIP1):c.3111A>G (p.Lys1037=)

Gene: BRIP1 (BRCA1 interacting DNA helicase 1; minus strand). Cytogenetic location: 17q23.2.
Variant type: single nucleotide variant.
Coding change: c.3111A>G on transcript NM_032043.3 (MANE Select); coding-DNA position 3111, A replaced by G.
Protein change: p.Lys1037=; no amino-acid change (lysine 1037 retained).
Molecular consequence: synonymous variant.
Genome position (GRCh38, 1-based): chr17:61,683,935, T>C on the plus strand (A>G on the coding strand, the complement: BRIP1 is on the minus strand). VCF-style: chr17-61683935-T-C. GRCh37 (hg19) VCF-style: chr17-59761296-T-C.
Identifiers: ClinVar variation 3378773 (VCV003378773.4).

ClinVar aggregate classification (germline): Benign/Likely benign. Review status: criteria provided, multiple submitters, no conflicts (2 of 4 stars). 3 submissions from 3 submitters: Benign (1); Likely benign (2). Last evaluated 2026-02-10.

Conditions:
Hereditary cancer-predisposing syndrome. Also called: Hereditary neoplastic syndrome; Tumor predisposition; Neoplastic Syndromes, Hereditary; Hereditary Cancer Syndrome. Identifiers: Orphanet 140162, MedGen C0027672, MeSH D009386, MONDO:0015356.
Fanconi anemia complementation group J. Also called: BRIP1-Related Fanconi Anemia. Identifiers: Orphanet 84, MedGen C1836860, MONDO:0012187, OMIM 609054.
Familial cancer of breast. Also called: BREAST CANCER, FAMILIAL; Hereditary breast cancer; hereditary breast carcinoma. Identifiers: Orphanet 227535, MedGen C0346153, MONDO:0016419, OMIM 114480. Disease mechanism: loss of function.

Submissions (3):

Ambry Genetics
Classification: Likely benign for Hereditary cancer-predisposing syndrome. Last evaluated: 2026-02-10. Review status: criteria provided, single submitter. Criteria: Ambry Variant Classification Scheme 2023. Collection method: clinical testing. Allele origin: germline.

Labcorp Genetics (formerly Invitae), Labcorp
Classification: Likely benign for Familial cancer of breast; Fanconi anemia complementation group J. Last evaluated: 2024-09-12. Review status: criteria provided, single submitter. Criteria: Invitae Variant Classification Sherloc (09022015). Collection method: clinical testing. Allele origin: germline.

Myriad Genetics, Inc.
Classification: Benign for Familial cancer of breast. Last evaluated: 2024-09-09. Review status: criteria provided, single submitter. Criteria: Myriad Autosomal Dominant, Autosomal Recessive and X-Linked Classification Criteria (2023). Collection method: clinical testing. Allele origin: unknown.
Comment: This variant is considered benign. This variant is a silent/synonymous amino acid change and it is not expected to impact splicing.